The following is an entry in ClinVar:

NM_002918.5(RFX1):c.1240G>A (p.Val414Met)

Gene: RFX1 (regulatory factor X1; minus strand). Cytogenetic location: 19p13.12.
Variant type: single nucleotide variant.
Coding change: c.1240G>A on transcript NM_002918.5 (MANE Select); coding-DNA position 1240, G replaced by A.
Protein change: p.Val414Met; replaces valine 414 with methionine.
Molecular consequence: missense variant.
Genome position (GRCh38, 1-based): chr19:13,972,817, C>T on the plus strand (G>A on the coding strand, the complement: RFX1 is on the minus strand). VCF-style: chr19-13972817-C-T. GRCh37 (hg19) VCF-style: chr19-14083629-C-T.
Other names: short protein forms V414M.
Identifiers: ClinVar variation 2459339 (VCV002459339.3), dbSNP rs374833159, ClinGen allele CA9247093.

ClinVar aggregate classification (germline): Uncertain significance (1 of 4 stars; one submission).

Allele frequency attached by ClinVar (database versions not stated): gnomAD exomes 0.00002; TOPMed 0.00002; ESP Exome Variant Server 0.00008; ExAC 0.00001; gnomAD 0.00001.
gnomAD v4.1: 30 of 1,606,196 alleles (0.0019%); highest among the groups gnomAD compares: Admixed American, 0.0034%; no homozygotes.

Submission:

Ambry Genetics
Classification: Uncertain significance. Last evaluated: 2026-03-17. Review status: criteria provided, single submitter. Criteria: Ambry Variant Classification Scheme 2023. Collection method: clinical testing. Allele origin: germline.
Comment: The c.1240G>A (p.V414M) alteration is located in exon 9 (coding exon 8) of the RFX1 gene. This alteration results from a G to A substitution at nucleotide position 1240, causing the valine (V) at amino acid position 414 to be replaced by a methionine (M). Based on data from gnomAD, the A allele has an overall frequency of 0.002% (5/231008) total alleles studied. The highest observed frequency was 0.005% (1/19062) of European (Finnish) alleles. Based on insufficient or conflicting evidence, the clinical significance of this alteration remains unclear.